The following is an entry in ClinVar:

ClinVar aggregate classification (germline): Uncertain significance (1 of 4 stars; one submission).

Submission:

GeneDx
Classification: Uncertain significance. Last evaluated: 2026-03-17. Review status: criteria provided, single submitter. Criteria: GeneDx Variant Classification Process June 2021. Collection method: clinical testing. Allele origin: germline.
Comment: Not observed at significant frequency in large population cohorts (gnomAD); In silico analysis suggests that this missense variant does not alter protein structure/function; Has not been previously published as pathogenic or benign to our knowledge

NM_003239.5(TGFB3):c.37G>C (p.Ala13Pro)

Gene: TGFB3 (transforming growth factor beta 3; minus strand). Cytogenetic location: 14q24.3.
Variant type: single nucleotide variant.
Coding change: c.37G>C on transcript NM_003239.5 (MANE Select); coding-DNA position 37, G replaced by C.
Protein change: p.Ala13Pro; replaces alanine 13 with proline.
Molecular consequence: missense variant.
Genome position (GRCh38, 1-based): chr14:75,980,857, C>G on the plus strand (G>C on the coding strand, the complement: TGFB3 is on the minus strand). VCF-style: chr14-75980857-C-G. GRCh37 (hg19) VCF-style: chr14-76447200-C-G.
Other names: c.37G>C, p.Ala13Pro (NM_001329938.2, NM_001329939.2); short protein forms A13P.
Identifiers: ClinVar variation 4976624 (VCV004976624.1).